The following is an entry in ClinVar:

ClinVar aggregate classification (germline): Conflicting classifications of pathogenicity. Review status: criteria provided, conflicting classifications (1 of 4 stars). 13 submissions from 9 submitters: Uncertain significance (4); Likely benign (8). 1 of the submissions does not count toward it. Last evaluated 2026-02-03.

Conditions:
TTN-related disorder. Also called: TTN-related disorders; TTN-related condition; TTN-related disease.
Cardiovascular phenotype. Identifiers: MedGen CN230736.
Dilated cardiomyopathy 1G (CMD1G). Identifiers: Orphanet 154, MedGen C1858763, MONDO:0011400, OMIM 604145.
Autosomal recessive limb-girdle muscular dystrophy type 2J (LGMDR10). Also called: Limb-girdle muscular dystrophy, type 2J; MUSCULAR DYSTROPHY, LIMB-GIRDLE, AUTOSOMAL RECESSIVE 10. Identifiers: Orphanet 140922, MedGen C1837342, MONDO:0012127, OMIM 608807.
Myopathy, myofibrillar, 9, with early respiratory failure (MFM9). Also called: Myopathy, distal, with early respiratory failure, autosomal dominant; EDSTROM MYOPATHY; MYOPATHY, PROXIMAL, WITH EARLY RESPIRATORY MUSCLE INVOLVEMENT; Hereditary myopathy with early respiratory failure. Identifiers: Orphanet 178464, Orphanet 34521, MedGen C1863599, MONDO:0011362, OMIM 603689.
Early-onset myopathy with fatal cardiomyopathy (CMYO5). Also called: CONGENITAL MYOPATHY 5 WITH CARDIOMYOPATHY; Salih Myopathy. Identifiers: Orphanet 289377, MedGen C2673677, MONDO:0012714, OMIM 611705. Disease mechanism: loss of function.
Tibial muscular dystrophy (TMD). Also called: Udd Distal Myopathy – Tibial Muscular Dystrophy; UDD MYOPATHY; Tibial muscular dystrophy, tardive. Identifiers: Orphanet 609, MedGen C1838244, MONDO:0010870, OMIM 600334.

Allele frequency attached by ClinVar (database versions not stated): gnomAD exomes 0.00006 and 0.00015; ExAC 0.00007; gnomAD 0.00007; TOPMed 0.00008; ESP Exome Variant Server 0.00017.
gnomAD v4.1: 226 of 1,613,048 alleles (0.014%); highest among the groups gnomAD compares: Non-Finnish European, 0.018%; no homozygotes.

Submissions (13):

Labcorp Genetics (formerly Invitae), Labcorp
Classification: Likely benign for Dilated cardiomyopathy 1G; Autosomal recessive limb-girdle muscular dystrophy type 2J. Last evaluated: 2026-02-03. Review status: criteria provided, single submitter. Criteria: Invitae Variant Classification Sherloc (09022015). Collection method: clinical testing. Allele origin: germline.

Molecular Diagnostic Laboratory for Inherited Cardiovascular Disease, Montreal Heart Institute
Classification: Likely benign. Last evaluated: 2025-04-09. Review status: criteria provided, single submitter. Criteria: ACMG Guidelines, 2015. Collection method: clinical testing. Allele origin: germline. Affected: no.

Blueprint Genetics
Classification: Likely benign. Last evaluated: 2024-11-04. Review status: criteria provided, single submitter. Criteria: ACMG Guidelines, 2015. Collection method: clinical testing. Allele origin: germline.

Women's Health and Genetics/Laboratory Corporation of America, LabCorp
Classification: Likely benign. Last evaluated: 2024-09-28. Review status: criteria provided, single submitter. Criteria: LabCorp Variant Classification Summary - May 2015. Collection method: clinical testing. Allele origin: germline.

GeneDx
Classification: Likely benign. Last evaluated: 2020-10-08. Review status: criteria provided, single submitter. Criteria: GeneDx Variant Classification Process June 2021. Collection method: clinical testing. Allele origin: germline. Affected: yes.

Ambry Genetics
Classification: Likely benign for Cardiovascular phenotype. Last evaluated: 2018-10-17. Review status: criteria provided, single submitter. Criteria: Ambry Variant Classification Scheme 2023. Collection method: clinical testing. Allele origin: germline.

Illumina Laboratory Services, Illumina
Classification: Likely benign for Tibial muscular dystrophy. Last evaluated: 2018-01-12. Review status: criteria provided, single submitter. Criteria: ICSL Variant Classification Criteria 13 December 2019. Collection method: clinical testing. Allele origin: germline.
Comment: This variant was observed in the ICSL laboratory as part of a predisposition screen in an ostensibly healthy population. It had not been previously curated by ICSL or reported in the Human Gene Mutation Database (HGMD: prior to June 1st, 2018), and was therefore a candidate for classification through an automated scoring system. Utilizing variant allele frequency, disease prevalence and penetrance estimates, and inheritance mode, an automated score was calculated to assess if this variant is too frequent to cause the disease. Based on the score and internal cut-off values, a variant classified as likely benign is not then subjected to further curation. The score for this variant resulted in a classification of likely benign for this disease.

Illumina Laboratory Services, Illumina
Classification: Uncertain significance for Early-onset myopathy with fatal cardiomyopathy. Last evaluated: 2018-01-12. Review status: criteria provided, single submitter. Criteria: ICSL Variant Classification Criteria 13 December 2019. Collection method: clinical testing. Allele origin: germline.

Illumina Laboratory Services, Illumina
Classification: Uncertain significance for Autosomal recessive limb-girdle muscular dystrophy type 2J. Last evaluated: 2018-01-12. Review status: criteria provided, single submitter. Criteria: ICSL Variant Classification Criteria 13 December 2019. Collection method: clinical testing. Allele origin: germline.

Illumina Laboratory Services, Illumina
Classification: Likely benign for Myopathy, myofibrillar, 9, with early respiratory failure. Last evaluated: 2018-01-12. Review status: criteria provided, single submitter. Criteria: ICSL Variant Classification Criteria 13 December 2019. Collection method: clinical testing. Allele origin: germline.
Comment: the same text as in the submission from Illumina Laboratory Services, Illumina above.

Illumina Laboratory Services, Illumina
Classification: Uncertain significance for Dilated cardiomyopathy 1G. Last evaluated: 2018-01-12. Review status: criteria provided, single submitter. Criteria: ICSL Variant Classification Criteria 13 December 2019. Collection method: clinical testing. Allele origin: germline.

Eurofins Ntd Llc (ga)
Classification: Uncertain significance. Last evaluated: 2015-08-21. Review status: criteria provided, single submitter. Criteria: EGL Classification Definitions 2015. Collection method: clinical testing. Allele origin: germline. Observed: 1 variant allele, 1 heterozygote.

PreventionGenetics, part of Exact Sciences
Classification: Likely benign for TTN-related condition. Last evaluated: 2019-04-16. Review status: no assertion criteria provided. Collection method: clinical testing. Allele origin: germline. Not counted in ClinVar's aggregate classification.
Comment: This variant is classified as likely benign based on ACMG/AMP sequence variant interpretation guidelines (Richards et al. 2015 PMID: 25741868, with internal and published modifications).

NM_001267550.2(TTN):c.53142T>C (p.Asp17714=)

Genes: TTN (titin; minus strand), TTN-AS1 (TTN antisense RNA 1; plus strand), LOC126806425 (BRD4-independent group 4 enhancer GRCh37_chr2:179471933-179473132; plus strand). Cytogenetic location: 2q31.2.
Variant type: single nucleotide variant.
Coding change: c.53142T>C on transcript NM_001267550.2 (MANE Select); coding-DNA position 53142, T replaced by C.
Protein change: p.Asp17714=; no amino-acid change (aspartic acid 17714 retained).
Molecular consequence: synonymous variant.
Genome position (GRCh38, 1-based): chr2:178,607,546, A>G on the plus strand (T>C on the coding strand, the complement: TTN is on the minus strand). VCF-style: chr2-178607546-A-G. GRCh37 (hg19) VCF-style: chr2-179472273-A-G.
Other names: c.48219T>C, p.Asp16073= (NM_001256850.1); c.25947T>C, p.Asp8649= (NM_003319.4); c.45438T>C, p.Asp15146= (NM_133378.4); c.26322T>C, p.Asp8774= (NM_133432.3); c.26523T>C, p.Asp8841= (NM_133437.4).
Identifiers: ClinVar variation 282890 (VCV000282890.28), dbSNP rs373316165, ClinGen allele CA1993850.